The following is an entry in ClinVar:

NM_001378452.1(ITPR1):c.5293C>A (p.Leu1765Ile)

Gene: ITPR1 (inositol 1,4,5-trisphosphate receptor type 1; plus strand). Cytogenetic location: 3p26.1.
Variant type: single nucleotide variant.
Coding change: c.5293C>A on transcript NM_001378452.1 (MANE Select); coding-DNA position 5293, C replaced by A.
Protein change: p.Leu1765Ile; replaces leucine 1765 with isoleucine.
Molecular consequence: missense variant.
Genome position (GRCh38, 1-based): chr3:4,733,160, C>A. VCF-style: chr3-4733160-C-A. GRCh37 (hg19) VCF-style: chr3-4774844-C-A.
Other names: c.5149C>A, p.Leu1717Ile (NM_001099952.4); c.5248C>A, p.Leu1750Ile (NM_001168272.2); c.5104C>A, p.Leu1702Ile (NM_002222.7); short protein forms L1702I, L1717I, L1750I, L1765I.
Identifiers: ClinVar variation 3708354 (VCV003708354.2).
Genomic context (GRCh38, chr3:4,733,160, plus strand): 5'-AGGCAAGTTCTGGTCAACCGTTACTATGGAAACGTCAGACCTTCGGGACGAAGAGAGAGC[C>A]TTACCAGCTTTGGCAATGGCCCACTGTCAGCAGGAGGACCCGGCAAGCCCGGGGGAGGAG-3'
Protein context (NP_001365381.1, residues 1755-1775): NVRPSGRRES[Leu1765Ile]TSFGNGPLSA

ClinVar aggregate classification (germline): Uncertain significance (1 of 4 stars; one submission).

gnomAD v4.1: 7 of 1,613,986 alleles (0.00043%); highest among the groups gnomAD compares: East Asian, 0.016%; no homozygotes.

Submission:

Labcorp Genetics (formerly Invitae), Labcorp
Classification: Uncertain significance. Last evaluated: 2024-12-14. Review status: criteria provided, single submitter. Criteria: Invitae Variant Classification Sherloc (09022015). Collection method: clinical testing. Allele origin: germline.
Comment: This sequence change replaces leucine, which is neutral and non-polar, with isoleucine, which is neutral and non-polar, at codon 1702 of the ITPR1 protein (p.Leu1702Ile). This variant is present in population databases (no rsID available, gnomAD 0.02%). This variant has not been reported in the literature in individuals affected with ITPR1-related conditions. An algorithm developed to predict the effect of missense changes on protein structure and function (PolyPhen-2) suggests that this variant is likely to be tolerated. In summary, the available evidence is currently insufficient to determine the role of this variant in disease. Therefore, it has been classified as a Variant of Uncertain Significance.